The following is an entry in ClinVar:

ClinVar aggregate classification (germline): Uncertain significance (1 of 4 stars; one submission).

Conditions:
Candidiasis, familial, 9 (CANDF9). Identifiers: Orphanet 1334, MedGen C4225324, MONDO:0014642, OMIM 616445.

Submission:

Labcorp Genetics (formerly Invitae), Labcorp
Classification: Uncertain significance for Candidiasis, familial, 9. Last evaluated: 2022-03-18. Review status: criteria provided, single submitter. Criteria: Invitae Variant Classification Sherloc (09022015). Collection method: clinical testing. Allele origin: germline.
Comment: In summary, the available evidence is currently insufficient to determine the role of this variant in disease. Therefore, it has been classified as a Variant of Uncertain Significance. Algorithms developed to predict the effect of missense changes on protein structure and function are either unavailable or do not agree on the potential impact of this missense change (SIFT: "Deleterious"; PolyPhen-2: "Benign"; Align-GVGD: "Class C0"). This variant has not been reported in the literature in individuals affected with IL17RC-related conditions. This variant is not present in population databases (gnomAD no frequency). This sequence change replaces arginine, which is basic and polar, with glycine, which is neutral and non-polar, at codon 622 of the IL17RC protein (p.Arg622Gly).

NM_153460.4(IL17RC):c.1651C>G (p.Arg551Gly)

Gene: IL17RC (interleukin 17 receptor C; plus strand). Cytogenetic location: 3p25.3.
Variant type: single nucleotide variant.
Coding change: c.1651C>G on transcript NM_153460.4 (MANE Select); coding-DNA position 1651, C replaced by G.
Protein change: p.Arg551Gly; replaces arginine 551 with glycine.
Molecular consequence: missense variant. On other transcripts: non-coding transcript variant (1).
Genome position (GRCh38, 1-based): chr3:9,933,081, C>G. VCF-style: chr3-9933081-C-G. GRCh37 (hg19) VCF-style: chr3-9974765-C-G.
Other names: c.1612C>G, p.Arg538Gly (NM_001203263.2); c.1561C>G, p.Arg521Gly (NM_001203264.2); c.1555C>G, p.Arg519Gly (NM_001203265.2); c.1573C>G, p.Arg525Gly (NM_001367278.1); c.1492C>G, p.Arg498Gly (NM_001367279.1); c.1567C>G, p.Arg523Gly (NM_001367280.1); c.1516C>G, p.Arg506Gly (NM_001410711.1); c.1606C>G, p.Arg536Gly (NM_032732.6); and 1 more; short protein forms R506G, R551G, R498G, R519G, R536G, R538G, R525G, R622G.
Identifiers: ClinVar variation 2113812 (VCV002113812.4), dbSNP rs1559326921, ClinGen allele CA351705239.